The following is an entry in ClinVar:

ClinVar aggregate classification (germline): Benign/Likely benign. Review status: criteria provided, multiple submitters, no conflicts (2 of 4 stars). 2 submissions from 2 submitters: Benign (1); Likely benign (1). Last evaluated 2025-04-01.

Allele frequency attached by ClinVar (database versions not stated): gnomAD 0.00010; TOPMed 0.00011; ESP Exome Variant Server 0.00015; ExAC 0.00016.

Submissions (2):

CeGaT Center for Human Genetics Tuebingen
Classification: Likely benign. Last evaluated: 2025-04-01. Review status: criteria provided, single submitter. Criteria: CeGaT Center For Human Genetics Tuebingen Variant Classification Criteria Version 2. Collection method: clinical testing. Allele origin: germline. Affected: yes. Observed: 2 variant alleles.
Comment: TCF20: BS1

Labcorp Genetics (formerly Invitae), Labcorp
Classification: Benign. Last evaluated: 2024-09-17. Review status: criteria provided, single submitter. Criteria: Invitae Variant Classification Sherloc (09022015). Collection method: clinical testing. Allele origin: germline.

NM_001378418.1(TCF20):c.5857A>T (p.Ser1953Cys)

Gene: TCF20 (transcription factor 20; minus strand). Cytogenetic location: 22q13.2.
Variant type: single nucleotide variant.
Coding change: c.5857A>T on transcript NM_001378418.1 (MANE Select); coding-DNA position 5857, A replaced by T.
Protein change: p.Ser1953Cys; replaces serine 1953 with cysteine.
Molecular consequence: missense variant. On other transcripts: intron variant (1).
Genome position (GRCh38, 1-based): chr22:42,168,679, T>A on the plus strand (A>T on the coding strand, the complement: TCF20 is on the minus strand). VCF-style: chr22-42168679-T-A. GRCh37 (hg19) VCF-style: chr22-42564685-T-A.
Other names: c.5857A>T, p.Ser1953Cys (NM_005650.4); c.5799+1168A>T (NM_181492.3); short protein forms S1953C.
Identifiers: ClinVar variation 2187156 (VCV002187156.18), dbSNP rs146374327, ClinGen allele CA10266311.